The following is an entry in ClinVar:

NM_015909.4(NBAS):c.1095T>A (p.Asp365Glu)

Gene: NBAS (NBAS subunit of NRZ tethering complex; minus strand). Cytogenetic location: 2p24.3.
Variant type: single nucleotide variant.
Coding change: c.1095T>A on transcript NM_015909.4 (MANE Select); coding-DNA position 1095, T replaced by A.
Protein change: p.Asp365Glu; replaces aspartic acid 365 with glutamic acid.
Molecular consequence: missense variant. On other transcripts: non-coding transcript variant (1).
Genome position (GRCh38, 1-based): chr2:15,478,278, A>T on the plus strand (T>A on the coding strand, the complement: NBAS is on the minus strand). VCF-style: chr2-15478278-A-T. GRCh37 (hg19) VCF-style: chr2-15618402-A-T.
Other names: short protein forms D365E.
Identifiers: ClinVar variation 2013737 (VCV002013737.4), dbSNP rs753060181, ClinGen allele CA1536785.

ClinVar aggregate classification (germline): Uncertain significance (1 of 4 stars; one submission).

Allele frequency attached by ClinVar (database versions not stated): gnomAD exomes below 0.00001; ExAC 0.00001.
gnomAD v4.1: 2 of 1,611,206 alleles (0.00012%); highest among the groups gnomAD compares: Admixed American, 0.0033%; no homozygotes.

Submission:

Labcorp Genetics (formerly Invitae), Labcorp
Classification: Uncertain significance. Last evaluated: 2025-09-15. Review status: criteria provided, single submitter. Criteria: Invitae Variant Classification Sherloc (09022015). Collection method: clinical testing. Allele origin: germline.
Comment: This sequence change replaces aspartic acid, which is acidic and polar, with glutamic acid, which is acidic and polar, at codon 365 of the NBAS protein (p.Asp365Glu). This variant is present in population databases (rs753060181, gnomAD 0.006%). This variant has not been reported in the literature in individuals affected with NBAS-related conditions. ClinVar contains an entry for this variant (Variation ID: 2013737). Invitae Evidence Modeling of protein sequence and biophysical properties (such as structural, functional, and spatial information, amino acid conservation, physicochemical variation, residue mobility, and thermodynamic stability) indicates that this missense variant is not expected to disrupt NBAS protein function with a negative predictive value of 95%. In summary, the available evidence is currently insufficient to determine the role of this variant in disease. Therefore, it has been classified as a Variant of Uncertain Significance.